The following is an entry in ClinVar:

ClinVar aggregate classification (germline): Uncertain significance (1 of 4 stars; one submission).

Conditions:
Hereditary cancer-predisposing syndrome. Also called: Hereditary neoplastic syndrome; Neoplastic Syndromes, Hereditary; Tumor predisposition; Hereditary Cancer Syndrome. Identifiers: Orphanet 140162, MedGen C0027672, MeSH D009386, MONDO:0015356.

Submission:

Ambry Genetics
Classification: Uncertain significance for Hereditary cancer-predisposing syndrome. Last evaluated: 2025-02-07. Review status: criteria provided, single submitter. Criteria: Ambry Variant Classification Scheme 2023. Collection method: clinical testing. Allele origin: germline.
Comment: The p.K25Q variant (also known as c.73A>C), located in coding exon 2 of the XRCC2 gene, results from an A to C substitution at nucleotide position 73. The lysine at codon 25 is replaced by glutamine, an amino acid with similar properties. This amino acid position is conserved. In addition, this alteration is predicted to be tolerated by in silico analysis. Based on the available evidence, the clinical significance of this variant remains unclear.

NM_005431.2(XRCC2):c.73A>C (p.Lys25Gln)

Gene: XRCC2 (X-ray repair cross complementing 2; minus strand). Cytogenetic location: 7q36.1.
Variant type: single nucleotide variant.
Coding change: c.73A>C on transcript NM_005431.2 (MANE Select); coding-DNA position 73, A replaced by C.
Protein change: p.Lys25Gln; replaces lysine 25 with glutamine.
Molecular consequence: missense variant.
Genome position (GRCh38, 1-based): chr7:152,660,749, T>G on the plus strand (A>C on the coding strand, the complement: XRCC2 is on the minus strand). VCF-style: chr7-152660749-T-G. GRCh37 (hg19) VCF-style: chr7-152357834-T-G.
Other names: short protein forms K25Q.
Identifiers: ClinVar variation 3817846 (VCV003817846.1).